The following is an entry in ClinVar:

ClinVar aggregate classification (germline): Uncertain significance. Review status: criteria provided, multiple submitters, no conflicts (2 of 4 stars). 2 submissions from 2 submitters: Uncertain significance (2). Last evaluated 2025-02-21.

Conditions:
Inborn genetic diseases. Identifiers: MedGen C0950123, MeSH D030342.

Allele frequency attached by ClinVar (database versions not stated): gnomAD exomes below 0.00001.
gnomAD v4.1: 4 of 1,613,992 alleles (0.00025%); highest among the groups gnomAD compares: African/African-American, 0.004%; no homozygotes.

Submissions (2):

Ambry Genetics
Classification: Uncertain significance for Inborn genetic diseases. Last evaluated: 2025-02-21. Review status: criteria provided, single submitter. Criteria: Ambry Variant Classification Scheme 2023. Collection method: clinical testing. Allele origin: germline.

Women's Health and Genetics/Laboratory Corporation of America, LabCorp
Classification: Uncertain significance. Last evaluated: 2023-02-01. Review status: criteria provided, single submitter. Criteria: LabCorp Variant Classification Summary - May 2015. Collection method: clinical testing. Allele origin: germline.
Comment: Variant summary: PHIP c.2072G>T (p.Arg691Leu) results in a non-conservative amino acid change in the encoded protein sequence. Four of five in-silico tools predict a damaging effect of the variant on protein function. The variant was absent in 251362 control chromosomes (gnomAD). The available data on variant occurrences in the general population are insufficient to allow any conclusion about variant significance. To our knowledge, no occurrence of c.2072G>T in individuals affected with Developmental Delay, Intellectual Disability, Obesity, And Dysmorphic Features and no experimental evidence demonstrating its impact on protein function have been reported. No clinical diagnostic laboratories have submitted clinical-significance assessments for this variant to ClinVar after 2014. Based on the evidence outlined above, the variant was classified as uncertain significance.

NM_017934.7(PHIP):c.2072G>T (p.Arg691Leu)

Gene: PHIP (PHIP subunit of CUL4-Ring ligase complex; minus strand). Cytogenetic location: 6q14.1.
Variant type: single nucleotide variant.
Coding change: c.2072G>T on transcript NM_017934.7 (MANE Select); coding-DNA position 2072, G replaced by T.
Protein change: p.Arg691Leu; replaces arginine 691 with leucine.
Molecular consequence: missense variant.
Genome position (GRCh38, 1-based): chr6:78,997,543, C>A on the plus strand (G>T on the coding strand, the complement: PHIP is on the minus strand). VCF-style: chr6-78997543-C-A. GRCh37 (hg19) VCF-style: chr6-79707260-C-A.
Other names: c.2072G>T (NM_017934.6, NM_017934.5); short protein forms R691L.
Identifiers: ClinVar variation 2445741 (VCV002445741.2), dbSNP rs2482042053, ClinGen allele CA364630429.
Genomic context (GRCh38, chr6:78,997,543, plus strand): 5'-GCTATTTCACTTCTTGGTGCGTTGCTGTGCATTTGCCGTACACCTTCAATTTGTCCACTA[C>A]GTCTTAGTCCTACGTTTGGTGGTGAATGAACCTCTGAGGTAGAACTTATGGAGCCTAAGT-3'
Protein context (NP_060404.4, residues 681-701): VHSPPNVGLR[Arg691Leu]SGQIEGVRQM